The following is an entry in ClinVar:

ClinVar aggregate classification (germline): Likely benign (1 of 4 stars; one submission).

Conditions:
DNM2-related disorder. Also called: DNM2-related condition.

gnomAD v4.1: 60 of 1,484,224 alleles (0.004%); highest among the groups gnomAD compares: African/African-American, 0.098%; no homozygotes.

Submission:

PreventionGenetics, part of Exact Sciences
Classification: Likely benign for DNM2-related condition. Last evaluated: 2025-09-04. Review status: criteria provided, single submitter. Criteria: ACMG Guidelines, 2015. Collection method: clinical testing. Allele origin: germline.
Comment: This variant is classified as likely benign based on ACMG/AMP sequence variant interpretation guidelines (Richards et al. 2015 PMID: 25741868, with internal and published modifications).

NM_001005361.3(DNM2):c.1311G>T (p.Thr437=)

Gene: DNM2 (dynamin 2; plus strand). Cytogenetic location: 19p13.2.
Variant type: single nucleotide variant.
Coding change: c.1311G>T on transcript NM_001005361.3 (MANE Select); coding-DNA position 1311, G replaced by T.
Protein change: p.Thr437=; no amino-acid change (threonine 437 retained).
Molecular consequence: synonymous variant. On other transcripts: intron variant (3).
Genome position (GRCh38, 1-based): chr19:10,797,494, G>T. VCF-style: chr19-10797494-G-T. GRCh37 (hg19) VCF-style: chr19-10908170-G-T.
Other names: c.1311G>T, p.Thr437= (NM_001005362.3); c.1336-992G>T (NM_001005360.3, NM_001190716.2, NM_004945.4).
Identifiers: ClinVar variation 4981103 (VCV004981103.1).